The following is an entry in ClinVar:

ClinVar aggregate classification (germline): Uncertain significance (1 of 4 stars; one submission).

Conditions:
Shprintzen-Goldberg syndrome (SGS). Also called: CRANIOSYNOSTOSIS WITH ARACHNODACTYLY AND ABDOMINAL HERNIAS; SHPRINTZEN-GOLDBERG CRANIOSYNOSTOSIS SYNDROME; Marfanoid disorder with craniosynostosis type 1; Marfanoid craniosynostosis syndrome; Shprintzen-Goldberg marfanoid syndrome. Identifiers: Orphanet 2462, MedGen C1321551, MONDO:0008426, OMIM 182212.

Submission:

Labcorp Genetics (formerly Invitae), Labcorp
Classification: Uncertain significance for Shprintzen-Goldberg syndrome. Last evaluated: 2022-07-19. Review status: criteria provided, single submitter. Criteria: Invitae Variant Classification Sherloc (09022015). Collection method: clinical testing. Allele origin: germline.
Comment: This sequence change replaces threonine, which is neutral and polar, with alanine, which is neutral and non-polar, at codon 339 of the SKI protein (p.Thr339Ala). In summary, the available evidence is currently insufficient to determine the role of this variant in disease. Therefore, it has been classified as a Variant of Uncertain Significance. Advanced modeling of protein sequence and biophysical properties (such as structural, functional, and spatial information, amino acid conservation, physicochemical variation, residue mobility, and thermodynamic stability) performed at Invitae indicates that this missense variant is not expected to disrupt SKI protein function. This variant has not been reported in the literature in individuals affected with SKI-related conditions. This variant is not present in population databases (gnomAD no frequency).

NM_003036.4(SKI):c.1015A>G (p.Thr339Ala)

Gene: SKI (SKI proto-oncogene; plus strand). Cytogenetic location: 1p36.32.
Variant type: single nucleotide variant.
Coding change: c.1015A>G on transcript NM_003036.4 (MANE Select); coding-DNA position 1015, A replaced by G.
Protein change: p.Thr339Ala; replaces threonine 339 with alanine.
Molecular consequence: missense variant.
Genome position (GRCh38, 1-based): chr1:2,303,023, A>G. VCF-style: chr1-2303023-A-G. GRCh37 (hg19) VCF-style: chr1-2234462-A-G.
Other names: short protein forms T339A.
Identifiers: ClinVar variation 1718946 (VCV001718946.5), dbSNP rs1569857426, ClinGen allele CA337953990.